The following is an entry in ClinVar:

NM_001384474.1(LOXHD1):c.3570_3571insGGCCGGGCGCGGTGGCTCACGCCTGTAATCCCAGCACTTTGGGAGGCCGAGGCGGGCGGATCACGAGGTCAGGAGATCGAGACCATCCTGGCTAACACGGTGAAACCCCGTCTCNNNNNNNNNNAAAAAAAAAAAAAAAAAAAAGAAGAATGCGGGC (p.Thr1191fs)

Gene: LOXHD1 (lipoxygenase homology PLAT domains 1; minus strand). Cytogenetic location: 18q21.1.
Variant type: Insertion.
Coding change: c.3570_3571insGGCCGGGCGCGGTGGCTCACGCCTGTAATCCCAGCACTTTGGGAGGCCGAGGCGGGCGGATCACGAGGTCAGGAGATCGAGACCATCCTGGCTAACACGGTGAAACCCCGTCTCNNNNNNNNNNAAAAAAAAAAAAAAAAAAAAGAAGAATGCGGGC on transcript NM_001384474.1 (MANE Select); coding-DNA positions 3570 to 3571, GGCCGGGCGCGGTGGCTCACGCCTGTAATCCCAGCACTTTGGGAGGCCGAGGCGGGCGGATCACGAGGTCAGGAGATCGAGACCATCCTGGCTAACACGGTGAAACCCCGTCTCNNNNNNNNNNAAAAAAAAAAAAAAAAAAAAGAAGAATGCGGGC inserted.
Protein change: p.Thr1191fs; shifts the reading frame from threonine 1191.
Molecular consequence: frameshift variant. On other transcripts: 5 prime UTR variant (1).
Genome position: GRCh38: chr18:46,545,380-46,545,381. GRCh37 (hg19): chr18:44,125,343-44,125,344.
Other names: c.237_238insGGCCGGGCGCGGTGGCTCACGCCTGTAATCCCAGCACTTTGGGAGGCCGAGGCGGGCGGATCACGAGGTCAGGAGATCGAGACCATCCTGGCTAACACGGTGAAACCCCGTCTCNNNNNNNNNNAAAAAAAAAAAAAAAAAAAAGAAGAATGCGGGC, p.Thr80fs (NM_001145472.3); c.-66_-52AAG[2]AATGCGGGCGGCCGGGCGCGGTGGCTCACGCCTGTAATCCCAGCACTTTGGGAGGCCGAGGCGGGCGGATCACGAGGTCAGGAGATCGAGACCATCCTGGCTAACACGGTGAAACCCCGTCTCNNNNNNNNNNAAAAAAAAAAAAAAAAAAAAGAAGAATGCGGGC[1] (NM_001308013.2); c.3570_3571insGGCCGGGCGCGGTGGCTCACGCCTGTAATCCCAGCACTTTGGGAGGCCGAGGCGGGCGGATCACGAGGTCAGGAGATCGAGACCATCCTGGCTAACACGGTGAAACCCCGTCTCNNNNNNNNNNAAAAAAAAAAAAAAAAAAAAGAAGAATGCGGGC, p.Thr1191fs (NM_144612.7); short protein forms T1191fs, T80fs.
Identifiers: ClinVar variation 1068820 (VCV001068820.7), dbSNP rs2144401197.

ClinVar aggregate classification (germline): Pathogenic (1 of 4 stars; one submission).

Submission:

Labcorp Genetics (formerly Invitae), Labcorp
Classification: Pathogenic. Last evaluated: 2020-03-20. Review status: criteria provided, single submitter. Criteria: Invitae Variant Classification Sherloc (09022015). Collection method: clinical testing. Allele origin: germline.
Comment: For these reasons, this variant has been classified as Pathogenic. Retrotransposon insertions including LINE1 (L1), Alu, and SVA (SINE-VNTR-Alu) have been reported to be disease-causing through disruption of either a coding region or splice site (PMID: 19763152, 20307669, 22406018) and loss-of-function variants in LOXHD1 are known to be pathogenic (PMID: 19732867, 21465660, 25792669). Algorithms developed to predict the effect of sequence changes on RNA splicing suggest that this variant may create or strengthen a splice site, but this prediction has not been confirmed by published transcriptional studies. This variant has not been reported in the literature in individuals with LOXHD1-related conditions. This sequence change inserts a large fragment of DNA, likely a transposable element, in exon 23 of the LOXHD1 gene (c.3570_3571insAlu), causing a frameshift at codon 1191 (p.Thr1191fs). The exact size and sequence of the insertion cannot be determined by the current assay. However, the insertion is expected to result in an absent or disrupted protein product.

Literature cited by the submitters: PubMed 19763152; PubMed 20307669; PubMed 22406018; PubMed 19732867; PubMed 21465660; PubMed 25792669.